The following is an entry in ClinVar:

ClinVar aggregate classification (germline): Likely benign. Review status: criteria provided, multiple submitters, no conflicts (2 of 4 stars). 3 submissions from 3 submitters: Likely benign (2). 1 of the submissions does not count toward it. Last evaluated 2025-11-11.

Conditions:
RSPH3-related disorder. Also called: RSPH3-related condition.
Primary ciliary dyskinesia 32. Also called: CILIARY DYSKINESIA, PRIMARY, 32, WITHOUT SITUS INVERSUS. Identifiers: Orphanet 244, MedGen C4225311, MONDO:0014657, OMIM 616481.

Allele frequency attached by ClinVar (database versions not stated): gnomAD exomes 0.00001 and 0.00003; gnomAD 0.00002 and 0.00003; ExAC 0.00004; TOPMed 0.00004; 1000 Genomes Project 0.00040; 1000 Genomes Project 30x 0.00047.

Submissions (3):

Labcorp Genetics (formerly Invitae), Labcorp
Classification: Likely benign for Primary ciliary dyskinesia 32. Last evaluated: 2025-11-11. Review status: criteria provided, single submitter. Criteria: Invitae Variant Classification Sherloc (09022015). Collection method: clinical testing. Allele origin: germline.

Blueprint Genetics
Classification: Likely benign. Last evaluated: 2021-08-05. Review status: criteria provided, single submitter. Criteria: ACMG Guidelines, 2015. Collection method: clinical testing. Allele origin: germline.

PreventionGenetics, part of Exact Sciences
Classification: Likely benign for RSPH3-related condition. Last evaluated: 2024-07-08. Review status: no assertion criteria provided. Collection method: clinical testing. Allele origin: germline. Not counted in ClinVar's aggregate classification.
Comment: This variant is classified as likely benign based on ACMG/AMP sequence variant interpretation guidelines (Richards et al. 2015 PMID: 25741868, with internal and published modifications).

NM_031924.8(RSPH3):c.-136C>T

Gene: RSPH3 (radial spoke head 3; minus strand). Cytogenetic location: 6q25.3.
Variant type: single nucleotide variant.
Coding change: c.-136C>T on transcript NM_031924.8 (MANE Select); 136 bases upstream of the start codon, C replaced by T.
Molecular consequence: 5 prime UTR variant. On other transcripts: synonymous variant (1), non-coding transcript variant (1).
Genome position (GRCh38, 1-based): chr6:158,999,686, G>A on the plus strand (C>T on the coding strand, the complement: RSPH3 is on the minus strand). VCF-style: chr6-158999686-G-A. GRCh37 (hg19) VCF-style: chr6-159420718-G-A.
Other names: c.291C>T (NM_031924.5); c.291C>T, p.Pro97= (NM_001346418.1).
Identifiers: ClinVar variation 475831 (VCV000475831.11), dbSNP rs549752682, ClinGen allele CA4076045.